The following is an entry in ClinVar:

NM_025081.3(NYNRIN):c.3680C>G (p.Pro1227Arg)

Gene: NYNRIN (NYN domain and retroviral integrase containing; plus strand). Cytogenetic location: 14q12.
Variant type: single nucleotide variant.
Coding change: c.3680C>G on transcript NM_025081.3 (MANE Select); coding-DNA position 3680, C replaced by G.
Protein change: p.Pro1227Arg; replaces proline 1227 with arginine.
Molecular consequence: missense variant.
Genome position (GRCh38, 1-based): chr14:24,415,429, C>G. VCF-style: chr14-24415429-C-G. GRCh37 (hg19) VCF-style: chr14-24884635-C-G.
Other names: short protein forms P1227R.
Identifiers: ClinVar variation 3632483 (VCV003632483.2).

ClinVar aggregate classification (germline): Uncertain significance (1 of 4 stars; one submission).

gnomAD v4.1: 16 of 1,613,864 alleles (0.00099%); highest among the groups gnomAD compares: African/African-American, 0.0013%; no homozygotes.

Submission:

Labcorp Genetics (formerly Invitae), Labcorp
Classification: Uncertain significance. Last evaluated: 2025-01-07. Review status: criteria provided, single submitter. Criteria: Invitae Variant Classification Sherloc (09022015). Collection method: clinical testing. Allele origin: germline.
Comment: This sequence change replaces proline, which is neutral and non-polar, with arginine, which is basic and polar, at codon 1227 of the NYNRIN protein (p.Pro1227Arg). This variant is present in population databases (rs755029945, gnomAD 0.007%). This variant has not been reported in the literature in individuals affected with NYNRIN-related conditions. Experimental studies and prediction algorithms are not available or were not evaluated, and the functional significance of this variant is currently unknown. In summary, the available evidence is currently insufficient to determine the role of this variant in disease. Therefore, it has been classified as a Variant of Uncertain Significance.